The following is an entry in ClinVar:

ClinVar aggregate classification (germline): Conflicting classifications of pathogenicity. Review status: criteria provided, conflicting classifications (1 of 4 stars). 12 submissions from 12 submitters: Uncertain significance (2); Benign (3); Likely benign (4). 3 of the submissions do not count toward it. Last evaluated 2026-01-17.

Conditions:
Cardiovascular phenotype. Identifiers: MedGen CN230736.
Emery-Dreifuss muscular dystrophy (EDMD). Also called: Scapuloperoneal syndrome, X-linked (formerly); Humeroperoneal neuromuscular disease, (formerly). Identifiers: Orphanet 261, MedGen C0410189, MONDO:0016830.
Cardiomyopathy (CMYO). Also called: Cardiomyopathies. Identifiers: Orphanet 167848, MedGen C0878544, MONDO:0004994, HP:0001638. Inheritance: Various modes of inheritance.
X-linked Emery-Dreifuss muscular dystrophy. Also called: Muscular dystrophy, tardive Emery-Dreifuss type, with contractures. Identifiers: Orphanet 261, Orphanet 98863, MedGen C0751337, MONDO:0010680.

Allele frequency attached by ClinVar (database versions not stated): ESP Exome Variant Server 0.00009; gnomAD 0.00013 and 0.00020; ExAC 0.00018; gnomAD exomes 0.00018 and 0.00021; 1000 Genomes Project 30x 0.00021; 1000 Genomes Project 0.00026; TOPMed 0.00026.
gnomAD v4.1: 222 of 1,210,717 alleles (0.018%); highest among the groups gnomAD compares: Middle Eastern, 0.14%; no homozygotes.

Submissions (12):

Labcorp Genetics (formerly Invitae), Labcorp
Classification: Benign for X-linked Emery-Dreifuss muscular dystrophy. Last evaluated: 2026-01-17. Review status: criteria provided, single submitter. Criteria: Invitae Variant Classification Sherloc (09022015). Collection method: clinical testing. Allele origin: germline.

CeGaT Center for Human Genetics Tuebingen
Classification: Likely benign. Last evaluated: 2025-07-01. Review status: criteria provided, single submitter. Criteria: CeGaT Center For Human Genetics Tuebingen Variant Classification Criteria Version 2. Collection method: clinical testing. Allele origin: germline. Affected: yes. Observed: 2 variant alleles.
Comment: EMD: BP4, BS2

Blueprint Genetics
Classification: Benign. Last evaluated: 2024-11-05. Review status: criteria provided, single submitter. Criteria: ACMG Guidelines, 2015. Collection method: clinical testing. Allele origin: germline.

Women's Health and Genetics/Laboratory Corporation of America, LabCorp
Classification: Uncertain significance. Last evaluated: 2022-06-20. Review status: criteria provided, single submitter. Criteria: LabCorp Variant Classification Summary - May 2015. Collection method: clinical testing. Allele origin: germline.
Comment: Variant summary: EMD c.428C>T (p.Ser143Phe) results in a non-conservative amino acid change in the encoded protein sequence. Three of five in-silico tools predict a benign effect of the variant on protein function. The variant allele was found at a frequency of 0.00021 in 183290 control chromosomes, predominantly at a frequency of 0.00044 within the Non-Finnish European subpopulation in the gnomAD database. This frequency is not significantly higher than expected for a pathogenic variant in EMD causing Cardiomyopathy (0.00021 vs 0.0071), allowing no conclusion about variant significance. c.428C>T has been reported in the literature in individuals affected with Cardiomyopathy without strong evidence for causality (e.g. Daumy_2016, Minoche_2019). To our knowledge, no experimental evidence demonstrating an impact on protein function has been reported. Six assessments for this variant have been submitted to ClinVar after 2014. One submitter classified the variant as benign, four as likely benign, and one as VUS. Based on the evidence outlined above, the variant was classified as uncertain significance.

Pars Genome Lab
Classification: Likely benign for Emery-Dreifuss muscular dystrophy 1, X-linked. Last evaluated: 2021-05-18. Review status: criteria provided, single submitter. Criteria: ACMG Guidelines, 2015. Collection method: clinical testing. Allele origin: germline. Affected: no.

Ambry Genetics
Classification: Benign for Cardiovascular phenotype. Last evaluated: 2021-02-10. Review status: criteria provided, single submitter. Criteria: Ambry Variant Classification Scheme 2023. Collection method: clinical testing. Allele origin: germline.

GeneDx
Classification: Likely benign. Last evaluated: 2021-01-18. Review status: criteria provided, single submitter. Criteria: GeneDx Variant Classification Process June 2021. Collection method: clinical testing. Allele origin: germline. Affected: yes.
Comment: This variant is associated with the following publications: (PMID: 31024910, 30564623)

CHEO Genetics Diagnostic Laboratory, Children's Hospital of Eastern Ontario
Classification: Likely benign for Cardiomyopathy. Last evaluated: 2017-02-27. Review status: criteria provided, single submitter. Criteria: ACMG Guidelines, 2015. Collection method: clinical testing. Allele origin: germline. Study: Canadian Open Genetics Repository.

Eurofins Ntd Llc (ga)
Classification: Uncertain significance. Last evaluated: 2016-01-22. Review status: criteria provided, single submitter. Criteria: EGL Classification Definitions 2015. Collection method: clinical testing. Allele origin: germline. Observed: 2 variant alleles, 1 heterozygote, 1 hemizygote.

Natera, Inc.
Classification: Likely benign for Emery-Dreifuss muscular dystrophy. Last evaluated: 2020-01-20. Review status: no assertion criteria provided. Collection method: clinical testing. Allele origin: germline. Not counted in ClinVar's aggregate classification.

Diagnostic Laboratory, Department of Genetics, University Medical Center Groningen
Classification: Benign. Review status: no assertion criteria provided. Collection method: clinical testing. Allele origin: germline. Affected: yes. Study: VKGL Data-share Consensus. Not counted in ClinVar's aggregate classification.

Genome Diagnostics Laboratory, University Medical Center Utrecht
Classification: Likely benign. Review status: no assertion criteria provided. Collection method: clinical testing. Allele origin: germline. Affected: yes. Study: VKGL Data-share Consensus. Not counted in ClinVar's aggregate classification.

Literature cited by the submitters: PubMed 29961767 (cited by Women's Health and Genetics/Laboratory Corporation of America, LabCorp); PubMed 26820365 (cited by Women's Health and Genetics/Laboratory Corporation of America, LabCorp); PubMed 31024910 (cited by Women's Health and Genetics/Laboratory Corporation of America, LabCorp).

NM_000117.3(EMD):c.428C>T (p.Ser143Phe)

Gene: EMD (emerin; plus strand). Cytogenetic location: Xq28.
Variant type: single nucleotide variant.
Coding change: c.428C>T on transcript NM_000117.3 (MANE Select); coding-DNA position 428, C replaced by T.
Protein change: p.Ser143Phe; replaces serine 143 with phenylalanine.
Molecular consequence: missense variant.
Genome position (GRCh38, 1-based): chrX:154,380,781, C>T. VCF-style: chrX-154380781-C-T. GRCh37 (hg19) VCF-style: chrX-153609141-C-T.
Other names: short protein forms S143F.
Identifiers: ClinVar variation 237013 (VCV000237013.54), dbSNP rs139983160, ClinGen allele CA10561604.